The following is an entry in ClinVar:

ClinVar aggregate classification (germline): Pathogenic/Likely pathogenic. Review status: criteria provided, multiple submitters, no conflicts (2 of 4 stars). 2 submissions from 2 submitters: Pathogenic (1); Likely pathogenic (1). Last evaluated 2023-07-10.

Conditions:
Nephronophthisis. Also called: Juvenile Nephronophthisis. Identifiers: Orphanet 655, MedGen C0687120, MONDO:0019005, HP:0000090.
NPHP3-related disorder. Also called: NPHP3-related disorders; NPHP3-related condition. Identifiers: MedGen CN379163.

Submissions (2):

Labcorp Genetics (formerly Invitae), Labcorp
Classification: Pathogenic for Nephronophthisis. Last evaluated: 2023-07-10. Review status: criteria provided, single submitter. Criteria: Invitae Variant Classification Sherloc (09022015). Collection method: clinical testing. Allele origin: germline.
Comment: For these reasons, this variant has been classified as Pathogenic. This variant disrupts a region of the NPHP3 protein in which other variant(s) (p.Gly1275del) have been determined to be pathogenic (PMID: 12872122). This suggests that this is a clinically significant region of the protein, and that variants that disrupt it are likely to be disease-causing. This variant has not been reported in the literature in individuals affected with NPHP3-related conditions. This variant is not present in population databases (gnomAD no frequency). This sequence change creates a premature translational stop signal (p.Ser1271*) in the NPHP3 gene. While this is not anticipated to result in nonsense mediated decay, it is expected to disrupt the last 60 amino acid(s) of the NPHP3 protein.

Blueprint Genetics
Classification: Likely pathogenic for NPHP3-related disorders. Last evaluated: 2019-11-04. Review status: criteria provided, single submitter. Criteria: ACMG Guidelines, 2015. Collection method: clinical testing. Allele origin: germline. Affected: yes. Observed: 2 variant alleles.

Literature cited by the submitters: PubMed 12872122 (cited by Labcorp Genetics (formerly Invitae), Labcorp).

NM_153240.5(NPHP3):c.3810dup (p.Ser1271Ter)

Genes: NPHP3 (nephrocystin 3; minus strand), NPHP3-ACAD11 (NPHP3-ACAD11 readthrough (NMD candidate); minus strand). Cytogenetic location: 3q22.1.
Variant type: Duplication.
Coding change: c.3810dup on transcript NM_153240.5 (MANE Select); coding-DNA position 3810, one base duplicated (T; older notation c.3810dupT).
Protein change: p.Ser1271Ter; replaces serine 1271 with a stop codon.
Molecular consequence: nonsense. On other transcripts: non-coding transcript variant (1).
Genome position (GRCh38, 1-based): chr3:132,682,705, A duplicated on the plus strand (T on the coding strand, the reverse complement: NPHP3 is on the minus strand); the first of 2 consecutive A bases (chr3:132,682,705-132,682,706); duplicating either gives the same sequence. VCF-style (leftmost placement, unchanged base first): chr3-132682704-T-TA. GRCh37 (hg19) VCF-style: chr3-132401548-T-TA.
Other names: short protein forms S1271*.
Identifiers: ClinVar variation 2740922 (VCV002740922.4), dbSNP rs2530374916, ClinGen allele CA2667735676.
Genomic context (GRCh38, chr3:132,682,704, plus strand): 5'-TAAGACAAAGCTACTTCGAATAAAAGAGGCTGTATAAGGAAAGTGAAAAAAATTCTTACC[T>TA]AAGCACAGCTAAATTTTTCAGTGTTTCTCCAACTCGAGGATGCATCCGACCCAGGCTATC-3'